The following is an entry in ClinVar:

ClinVar aggregate classification (germline): Uncertain significance. Review status: criteria provided, multiple submitters, no conflicts (2 of 4 stars). 2 submissions from 2 submitters: Uncertain significance (2). Last evaluated 2024-12-05.

Allele frequency attached by ClinVar (database versions not stated): gnomAD exomes 0.00026 and 0.00011; TOPMed 0.00012; ESP Exome Variant Server 0.00031; ExAC 0.00008; gnomAD 0.00011.
gnomAD v4.1: 405 of 1,613,744 alleles (0.025%); highest among the groups gnomAD compares: Non-Finnish European, 0.032%; no homozygotes.

Submissions (2):

Mayo Clinic Laboratories, Mayo Clinic
Classification: Uncertain significance. Last evaluated: 2024-12-05. Review status: criteria provided, single submitter. Criteria: ACMG Guidelines, 2015. Collection method: clinical testing. Allele origin: germline. Observed: 1 variant allele.
Comment: BP4_moderate

Labcorp Genetics (formerly Invitae), Labcorp
Classification: Uncertain significance. Last evaluated: 2021-08-31. Review status: criteria provided, single submitter. Criteria: Invitae Variant Classification Sherloc (09022015). Collection method: clinical testing. Allele origin: germline.
Comment: This sequence change replaces alanine with threonine at codon 299 of the GALNT2 protein (p.Ala299Thr). The alanine residue is highly conserved and there is a small physicochemical difference between alanine and threonine. This variant is present in population databases (rs199925000, ExAC 0.01%). This variant has not been reported in the literature in individuals affected with GALNT2-related conditions. Algorithms developed to predict the effect of missense changes on protein structure and function (SIFT, PolyPhen-2, Align-GVGD) all suggest that this variant is likely to be tolerated. In summary, the available evidence is currently insufficient to determine the role of this variant in disease. Therefore, it has been classified as a Variant of Uncertain Significance.

Literature cited by the submitters: PubMed 32041611 (cited by Mayo Clinic Laboratories, Mayo Clinic).

NM_004481.5(GALNT2):c.895G>A (p.Ala299Thr)

Gene: GALNT2 (polypeptide N-acetylgalactosaminyltransferase 2; plus strand). Cytogenetic location: 1q42.13.
Variant type: single nucleotide variant.
Coding change: c.895G>A on transcript NM_004481.5 (MANE Select); coding-DNA position 895, G replaced by A.
Protein change: p.Ala299Thr; replaces alanine 299 with threonine.
Molecular consequence: missense variant.
Genome position (GRCh38, 1-based): chr1:230,249,261, G>A. VCF-style: chr1-230249261-G-A. GRCh37 (hg19) VCF-style: chr1-230385007-G-A.
Other names: p.Ala299Thr; c.781G>A, p.Ala261Thr (NM_001291866.2); short protein forms A299T, A261T.
Identifiers: ClinVar variation 1524608 (VCV001524608.6), dbSNP rs199925000, ClinGen allele CA1446324.